The following is an entry in ClinVar:

ClinVar aggregate classification (germline): Pathogenic/Likely pathogenic. Review status: criteria provided, multiple submitters, no conflicts (2 of 4 stars). 11 submissions from 11 submitters: Pathogenic (8); Likely pathogenic (2). 1 of the submissions does not count toward it. Last evaluated 2026-05-14.

Conditions:
Albinism or congenital nystagmus.
Oculocutaneous albinism type 1A (OCA1A). Also called: Albinism, oculocutaneous, type IA. Identifiers: Orphanet 352731, Orphanet 79431, MedGen C4551504, MONDO:0008745, OMIM 203100. Disease mechanism: loss of function.
Oculocutaneous albinism type 1B (OCA1B). Also called: YELLOW ALBINISM; ALBINISM, OCULOCUTANEOUS, TYPE IB; ALBINISM, YELLOW MUTANT TYPE. Identifiers: Orphanet 352731, Orphanet 352737, Orphanet 79434, MedGen C1847024, MONDO:0011749, OMIM 606952.
SKIN/HAIR/EYE PIGMENTATION 3, LIGHT/DARK SKIN (SHEP3). Also called: EYE COLOR 1; EYE COLOR, GREEN/BLUE; SKIN/HAIR/EYE PIGMENTATION 3, BLUE/GREEN EYE COLOR; SKIN/HAIR/EYE PIGMENTATION 3, FRECKLING; SKIN/HAIR/EYE PIGMENTATION, VARIATION IN, 3. Identifiers: MedGen C2677190, OMIM 601800.
TYR-related disorder. Also called: TYR-related condition.

Allele frequency attached by ClinVar (database versions not stated): ExAC 0.00002; gnomAD exomes 0.00002 and 0.00009; gnomAD 0.00007 and 0.00008; TOPMed 0.00008.
gnomAD v4.1: 145 of 1,614,020 alleles (0.009%); highest among the groups gnomAD compares: Non-Finnish European, 0.012%; no homozygotes.

Submissions (11):

PreventionGenetics, part of Exact Sciences
Classification: Pathogenic for TYR-related condition. Last evaluated: 2026-05-14. Review status: criteria provided, single submitter. Criteria: ACMG Guidelines, 2015. Collection method: clinical testing. Allele origin: germline.
Comment: The TYR c.613C>A variant is predicted to result in the amino acid substitution p.Pro205Thr. This variant has been reported in multiple individuals with oculocutaneous albinism (Camand et al. 2001. PubMed ID: 11295837; King et al. 2003. PubMed ID: 13680365; Hutton and Spritz. 2008. PubMed ID: 18463683). This variant is present in 0.0054% of alleles in individuals of European (Non-Finnish) descent in gnomAD. Given the evidence, we interpret this variant as pathogenic.

Labcorp Genetics (formerly Invitae), Labcorp
Classification: Pathogenic. Last evaluated: 2025-12-20. Review status: criteria provided, single submitter. Criteria: Invitae Variant Classification Sherloc (09022015). Collection method: clinical testing. Allele origin: germline.
Comment: This sequence change replaces proline, which is neutral and non-polar, with threonine, which is neutral and polar, at codon 205 of the TYR protein (p.Pro205Thr). This variant is present in population databases (rs61754362, gnomAD 0.006%). This missense change has been observed in individual(s) with clinical features of oculocutaneous albinism (PMID: 13680365; internal data). In at least one individual the data is consistent with being in trans (on the opposite chromosome) from a pathogenic variant. ClinVar contains an entry for this variant (Variation ID: 99572). Invitae Evidence Modeling of protein sequence and biophysical properties (such as structural, functional, and spatial information, amino acid conservation, physicochemical variation, residue mobility, and thermodynamic stability) indicates that this missense variant is expected to disrupt TYR protein function with a positive predictive value of 95%. For these reasons, this variant has been classified as Pathogenic.

CeGaT Center for Human Genetics Tuebingen
Classification: Pathogenic. Last evaluated: 2025-11-01. Review status: criteria provided, single submitter. Criteria: CeGaT Center For Human Genetics Tuebingen Variant Classification Criteria Version 2. Collection method: clinical testing. Allele origin: germline. Affected: yes. Observed: 2 variant alleles.
Comment: TYR: PM3:Very Strong, PM2, PM5, PP4

NHS Central & South Genomic Laboratory Hub
Classification: Pathogenic for Albinism or congenital nystagmus. Last evaluated: 2024-11-11. Review status: criteria provided, single submitter. Criteria: ACMG Guidelines, 2015. Collection method: clinical testing. Allele origin: germline. Affected: yes.

Blueprint Genetics
Classification: Pathogenic for TYR-related disorders. Last evaluated: 2024-11-06. Review status: criteria provided, single submitter. Criteria: ACMG Guidelines, 2015. Collection method: clinical testing. Allele origin: germline. Affected: yes. Observed: 5 variant alleles.

Baylor Genetics
Classification: Pathogenic for SKIN/HAIR/EYE PIGMENTATION 3, LIGHT/DARK SKIN. Last evaluated: 2024-03-15. Review status: criteria provided, single submitter. Criteria: ACMG Guidelines, 2015. Collection method: clinical testing. Allele origin: unknown.

Fulgent Genetics
Classification: Likely pathogenic for Oculocutaneous albinism type 1A; SKIN/HAIR/EYE PIGMENTATION 3, LIGHT/DARK SKIN; Oculocutaneous albinism type 1B. Last evaluated: 2024-01-29. Review status: criteria provided, single submitter. Criteria: ACMG Guidelines, 2015. Collection method: clinical testing. Allele origin: germline.

Department of Pathology and Laboratory Medicine, Sinai Health System
Classification: Pathogenic for Oculocutaneous albinism type 1B; Oculocutaneous albinism type 1A. Last evaluated: 2023-09-27. Review status: criteria provided, single submitter. Criteria: ACMG Guidelines, 2015. Collection method: research. Allele origin: germline.

Genome-Nilou Lab
Classification: Likely pathogenic for Oculocutaneous albinism type 1A. Last evaluated: 2021-07-22. Review status: criteria provided, single submitter. Criteria: ACMG Guidelines, 2015. Collection method: clinical testing. Allele origin: germline. Affected: no.

Genetic Services Laboratory, University of Chicago
Classification: Pathogenic for Albinism, oculocutaneous, type IA. Last evaluated: 2016-08-18. Review status: criteria provided, single submitter. Criteria: ACMG Guidelines, 2015. Collection method: clinical testing. Allele origin: germline. Affected: yes.

Retina International
No classification provided. Review status: no classification provided. Collection method: not provided. Allele origin: unknown. Not counted in ClinVar's aggregate classification.

Literature cited by the submitters: PubMed 13680365 (cited by Labcorp Genetics (formerly Invitae), Labcorp).

NM_000372.5(TYR):c.613C>A (p.Pro205Thr)

Gene: TYR (tyrosinase; plus strand). Cytogenetic location: 11q14.3.
Variant type: single nucleotide variant.
Coding change: c.613C>A on transcript NM_000372.5 (MANE Select); coding-DNA position 613, C replaced by A.
Protein change: p.Pro205Thr; replaces proline 205 with threonine.
Molecular consequence: missense variant.
Genome position (GRCh38, 1-based): chr11:89,178,566, C>A. VCF-style: chr11-89178566-C-A. GRCh37 (hg19) VCF-style: chr11-88911734-C-A.
Other names: short protein forms P205T.
Identifiers: ClinVar variation 99572 (VCV000099572.41), dbSNP rs61754362, ClinGen allele CA227573.